The following is an entry in ClinVar:

ClinVar aggregate classification (germline): Uncertain significance (1 of 4 stars; one submission).

Conditions:
Holoprosencephaly 9 (HPE9). Also called: HOLOPROSENCEPHALY WITH MICROPHTHALMIA AND FIRST BRANCHIAL ARCH ANOMALIES; PITUITARY ANOMALIES WITH HOLOPROSENCEPHALY-LIKE FEATURES. Identifiers: Orphanet 2162, MedGen C1835819, MONDO:0012563, OMIM 610829.
Postaxial polydactyly-anterior pituitary anomalies-facial dysmorphism syndrome. Also called: Culler-Jones syndrome. Identifiers: Orphanet 420584, MedGen C4014479, MONDO:0014369, OMIM 615849.

Submission:

Labcorp Genetics (formerly Invitae), Labcorp
Classification: Uncertain significance for Postaxial polydactyly-anterior pituitary anomalies-facial dysmorphism syndrome; Holoprosencephaly 9. Last evaluated: 2026-01-14. Review status: criteria provided, single submitter. Criteria: Invitae Variant Classification Sherloc (09022015). Collection method: clinical testing. Allele origin: germline.
Comment: This sequence change replaces glutamic acid, which is acidic and polar, with glycine, which is neutral and non-polar, at codon 1411 of the GLI2 protein (p.Glu1411Gly). This variant is not present in population databases (gnomAD no frequency). This variant has not been reported in the literature in individuals affected with GLI2-related conditions. Invitae Evidence Modeling of protein sequence and biophysical properties (such as structural, functional, and spatial information, amino acid conservation, physicochemical variation, residue mobility, and thermodynamic stability) indicates that this missense variant is not expected to disrupt GLI2 protein function with a negative predictive value of 80%. In summary, the available evidence is currently insufficient to determine the role of this variant in disease. Therefore, it has been classified as a Variant of Uncertain Significance.

NM_001374353.1(GLI2):c.4181A>G (p.Glu1394Gly)

Gene: GLI2 (GLI family zinc finger 2; plus strand). Cytogenetic location: 2q14.2.
Variant type: single nucleotide variant.
Coding change: c.4181A>G on transcript NM_001374353.1 (MANE Select); coding-DNA position 4181, A replaced by G.
Protein change: p.Glu1394Gly; replaces glutamic acid 1394 with glycine.
Molecular consequence: missense variant.
Genome position (GRCh38, 1-based): chr2:120,990,146, A>G. VCF-style: chr2-120990146-A-G. GRCh37 (hg19) VCF-style: chr2-121747722-A-G.
Other names: c.4232A>G, p.Glu1411Gly (NM_001371271.1, NM_005270.5); c.3806A>G, p.Glu1269Gly (NM_001374354.1); short protein forms E1394G, E1269G, E1411G.
Identifiers: ClinVar variation 4782718 (VCV004782718.1).